The following is an entry in ClinVar:

NM_004991.4(MECOM):c.1847G>A (p.Gly616Asp)

Gene: MECOM (MDS1 and EVI1 complex locus; minus strand). Cytogenetic location: 3q26.2.
Variant type: single nucleotide variant.
Coding change: c.1847G>A on transcript NM_004991.4 (MANE Select); coding-DNA position 1847, G replaced by A.
Protein change: p.Gly616Asp; replaces glycine 616 with aspartic acid.
Molecular consequence: missense variant. On other transcripts: intron variant (2).
Genome position (GRCh38, 1-based): chr3:169,116,025, C>T on the plus strand (G>A on the coding strand, the complement: MECOM is on the minus strand). VCF-style: chr3-169116025-C-T. GRCh37 (hg19) VCF-style: chr3-168833813-C-T.
Other names: c.1478G>A, p.Gly493Asp (NM_001105077.4); c.1283G>A, p.Gly428Asp (NM_001105078.4, NM_001164000.2, NM_001205194.2 and 4 more transcripts); c.1286G>A, p.Gly429Asp (NM_001163999.2, NM_001366467.2, NM_001366468.2 and 1 more transcripts); c.1847G>A, p.Gly616Asp (NM_001366466.2); c.1133-258G>A (NM_001366473.2); c.569-258G>A (NM_001366474.2); short protein forms G428D, G429D, G493D, G616D.
Identifiers: ClinVar variation 4053069 (VCV004053069.1).

ClinVar aggregate classification (germline): Uncertain significance (1 of 4 stars; one submission).

Conditions:
Inborn genetic diseases. Identifiers: MedGen C0950123, MeSH D030342.

Submission:

Ambry Genetics
Classification: Uncertain significance for Inborn genetic diseases. Last evaluated: 2025-03-15. Review status: criteria provided, single submitter. Criteria: Ambry Variant Classification Scheme 2023. Collection method: clinical testing. Allele origin: germline.
Comment: The p.G616D variant (also known as c.1847G>A), located in coding exon 8 of the MECOM gene, results from a G to A substitution at nucleotide position 1847. The glycine at codon 616 is replaced by aspartic acid, an amino acid with similar properties. This amino acid position is conserved. In addition, this alteration is predicted to be tolerated by in silico analysis. Based on the available evidence, the clinical significance of this variant remains unclear.